The following is an entry in ClinVar:

ClinVar aggregate classification (germline): Uncertain significance. Review status: criteria provided, multiple submitters, no conflicts (2 of 4 stars). 4 submissions from 4 submitters: Uncertain significance (4). Last evaluated 2025-10-09.

Conditions:
Inborn genetic diseases. Identifiers: MedGen C0950123, MeSH D030342.
Cortical dysplasia-focal epilepsy syndrome (PTHSL1). Also called: Pitt-Hopkins-like syndrome 1. Identifiers: Orphanet 163681, Orphanet 221150, MedGen C2750246, MONDO:0012400, OMIM 610042.

Allele frequency attached by ClinVar (database versions not stated): gnomAD exomes 0.00001 and 0.00002; TOPMed 0.00001; ExAC 0.00002; ESP Exome Variant Server 0.00008.
gnomAD v4.1: 10 of 1,614,118 alleles (0.00062%); highest among the groups gnomAD compares: Admixed American, 0.01%; no homozygotes.

Submissions (4):

GeneDx
Classification: Uncertain significance. Last evaluated: 2025-10-09. Review status: criteria provided, single submitter. Criteria: GeneDx Variant Classification Process June 2021. Collection method: clinical testing. Allele origin: germline. Affected: yes.
Comment: Not observed at significant frequency in large population cohorts (gnomAD); In silico analysis supports that this missense variant has a deleterious effect on protein structure/function; Has not been previously published as pathogenic or benign to our knowledge

Women's Health and Genetics/Laboratory Corporation of America, LabCorp
Classification: Uncertain significance. Last evaluated: 2024-09-26. Review status: criteria provided, single submitter. Criteria: LabCorp Variant Classification Summary - May 2015. Collection method: clinical testing. Allele origin: germline.
Comment: Variant summary: CNTNAP2 c.2315T>C (p.Val772Ala) results in a non-conservative amino acid change in the encoded protein sequence. Three of five in-silico tools predict a damaging effect of the variant on protein function. The variant allele was found at a frequency of 2.4e-05 in 251460 control chromosomes. The available data on variant occurrences in the general population are insufficient to allow any conclusion about variant significance. To our knowledge, no occurrence of c.2315T>C in individuals affected with Autism, Susceptibility To, 15 and no experimental evidence demonstrating its impact on protein function have been reported. ClinVar contains an entry for this variant (Variation ID: 418940). Based on the evidence outlined above, the variant was classified as uncertain significance.

Ambry Genetics
Classification: Uncertain significance for Inborn genetic diseases. Last evaluated: 2024-07-17. Review status: criteria provided, single submitter. Criteria: Ambry Variant Classification Scheme 2023. Collection method: clinical testing. Allele origin: germline.

Labcorp Genetics (formerly Invitae), Labcorp
Classification: Uncertain significance for Cortical dysplasia-focal epilepsy syndrome. Last evaluated: 2022-09-01. Review status: criteria provided, single submitter. Criteria: Invitae Variant Classification Sherloc (09022015). Collection method: clinical testing. Allele origin: germline.
Comment: This sequence change replaces valine, which is neutral and non-polar, with alanine, which is neutral and non-polar, at codon 772 of the CNTNAP2 protein (p.Val772Ala). This variant is present in population databases (rs370466945, gnomAD 0.01%). This variant has not been reported in the literature in individuals affected with CNTNAP2-related conditions. ClinVar contains an entry for this variant (Variation ID: 418940). Algorithms developed to predict the effect of missense changes on protein structure and function (SIFT, PolyPhen-2, Align-GVGD) all suggest that this variant is likely to be disruptive. In summary, the available evidence is currently insufficient to determine the role of this variant in disease. Therefore, it has been classified as a Variant of Uncertain Significance.

NM_014141.6(CNTNAP2):c.2315T>C (p.Val772Ala)

Gene: CNTNAP2 (contactin associated protein 2; plus strand). Cytogenetic location: 7q35.
Variant type: single nucleotide variant.
Coding change: c.2315T>C on transcript NM_014141.6 (MANE Select); coding-DNA position 2315, T replaced by C.
Protein change: p.Val772Ala; replaces valine 772 with alanine.
Molecular consequence: missense variant.
Genome position (GRCh38, 1-based): chr7:147,977,921, T>C. VCF-style: chr7-147977921-T-C. GRCh37 (hg19) VCF-style: chr7-147675013-T-C.
Other names: short protein forms V772A.
Identifiers: ClinVar variation 418940 (VCV000418940.12), dbSNP rs370466945, ClinGen allele CA4546373.